The following is an entry in ClinVar:

ClinVar aggregate classification (germline): Pathogenic. Review status: criteria provided, multiple submitters, no conflicts (2 of 4 stars). 13 submissions from 13 submitters: Pathogenic (13). Last evaluated 2025-12-15.

Conditions:
Familial colorectal cancer type X. Identifiers: Orphanet 440437, MedGen C3896578, MONDO:0018604.
Hereditary cancer-predisposing syndrome. Also called: Neoplastic Syndromes, Hereditary; Hereditary Cancer Syndrome; Hereditary neoplastic syndrome; Tumor predisposition. Identifiers: Orphanet 140162, MedGen C0027672, MeSH D009386, MONDO:0015356.
Familial cancer of breast. Also called: Hereditary breast cancer; hereditary breast carcinoma; BREAST CANCER, FAMILIAL. Identifiers: Orphanet 227535, MedGen C0346153, MONDO:0016419, OMIM 114480. Disease mechanism: loss of function.
Ataxia-telangiectasia syndrome (AT). Also called: Cerebello-oculocutaneous telangiectasia; Immunodeficiency with ataxia telangiectasia; Ataxia-telangiectasia, complementation group D; AT, COMPLEMENTATION GROUP C; ATAXIA-TELANGIECTASIA, FRESNO VARIANT; ATAXIA-TELANGIECTASIA, COMPLEMENTATION GROUP A. Identifiers: Orphanet 100, MedGen C0004135, MONDO:0008840, OMIM 208900.

Submissions (13):

Color Diagnostics, LLC DBA Color Health
Classification: Pathogenic for Hereditary cancer-predisposing syndrome. Last evaluated: 2025-12-15. Review status: criteria provided, single submitter. Criteria: ACMG Guidelines, 2015. Collection method: clinical testing. Allele origin: germline.
Comment: This variant changes 1 nucleotide in exon 9 of the ATM gene, creating a premature translation stop signal. This variant is expected to result in an absent or non-functional protein product. This variant has been reported in the compound heterozygous state in an individual affected with ataxia telangiectasia (PMID: 12815592, 15039971). This variant has not been identified in the general population by the Genome Aggregation Database (gnomAD). Loss of ATM function is a known mechanism of disease. Based on the available evidence, this variant is classified as Pathogenic.

Natera, Inc.
Classification: Pathogenic for Ataxia-telangiectasia. Last evaluated: 2025-07-25. Review status: criteria provided, single submitter. Criteria: Natera Variant Classification Schema (03/2026). Collection method: clinical testing. Allele origin: germline.
Comment: The c.1110C>G variant in ATM is a nonsense variant predicted to introduce a stop codon at amino acid 370. This variant is expected to result in nonsense mediated decay, truncation, or a dysfunctional protein product. This variant is rare in the general population with a frequency below the threshold expected for the associated phenotype(s). This variant has been observed in one or more individuals affected with the associated recessive disease, as either homozygous or compound heterozygous with a second variant (PMID: 15039971). Given the available evidence, this variant is classified as Pathogenic.

Labcorp Genetics (formerly Invitae), Labcorp
Classification: Pathogenic for Ataxia-telangiectasia syndrome. Last evaluated: 2025-06-06. Review status: criteria provided, single submitter. Criteria: Invitae Variant Classification Sherloc (09022015). Collection method: clinical testing. Allele origin: germline.
Comment: This sequence change creates a premature translational stop signal (p.Tyr370*) in the ATM gene. It is expected to result in an absent or disrupted protein product. Loss-of-function variants in ATM are known to be pathogenic (PMID: 23807571, 25614872). This variant is not present in population databases (gnomAD no frequency). This premature translational stop signal has been observed in individual(s) with ataxia-telangiectasia (PMID: 12815592, 15039971). ClinVar contains an entry for this variant (Variation ID: 142354). For these reasons, this variant has been classified as Pathogenic.

Molecular Diagnostics Laboratory, Catalan Institute of Oncology
Classification: Pathogenic for Hereditary cancer-predisposing syndrome. Last evaluated: 2025-03-27. Review status: criteria provided, single submitter. Criteria: ClinGen ACMG Specifications ATM V1.1.0. Collection method: clinical testing. Allele origin: germline.
Comment: PVS1, PM2_Supporting, PM5_Supporting c.1110C>G, located in exon 9 of the ATM gene, is expected to result in loss of function by premature protein truncation, p.(Tyr370*). This alteration is expected to result in loss of function by premature protein truncation and nonsense-mediated mRNA decay (PVS1, PM5_Supporting). It is not present in the population database gnomAD v2.1.1, non cancer dataset (PM2_Supporting). The SpliceAI algorithm predicts no significant impact on splicing. To our knowledge, functional studies have not been reported for this variant. In addition, it has been reported in ClinVar database (11x pathogenic) and in the LOVD database (1x pathogenic, 1x VUS). Based on currently available information, the variant c.1110C>G is classified as a pathogenic variant according to ClinGen-ATM Guidelines version v1.1.

Fulgent Genetics
Classification: Pathogenic for Familial cancer of breast; Ataxia-telangiectasia syndrome. Last evaluated: 2024-05-14. Review status: criteria provided, single submitter. Criteria: ACMG Guidelines, 2015. Collection method: clinical testing. Allele origin: germline.

Baylor Genetics
Classification: Pathogenic for Familial cancer of breast. Last evaluated: 2024-03-14. Review status: criteria provided, single submitter. Criteria: ACMG Guidelines, 2015. Collection method: clinical testing. Allele origin: unknown.

Myriad Genetics, Inc.
Classification: Pathogenic for Familial cancer of breast. Last evaluated: 2024-01-12. Review status: criteria provided, single submitter. Criteria: Myriad Autosomal Dominant, Autosomal Recessive and X-Linked Classification Criteria (2023). Collection method: clinical testing. Allele origin: unknown.
Comment: This variant is considered pathogenic. This variant creates a termination codon and is predicted to result in premature protein truncation.

GeneDx
Classification: Pathogenic. Last evaluated: 2023-09-29. Review status: criteria provided, single submitter. Criteria: GeneDx Variant Classification Process June 2021. Collection method: clinical testing. Allele origin: germline. Affected: yes.
Comment: Nonsense variant predicted to result in protein truncation or nonsense mediated decay in a gene for which loss of function is a known mechanism of disease; Not observed at significant frequency in large population cohorts (gnomAD); Truncating variants in this gene are considered pathogenic by a well-established clinical consortium and/or database; Observed in individuals with breast cancer (Decker et al., 2017; Xie et al., 2017); Has been reported in trans with a pathogenic ATM variant in at least one individual with ataxia-telangiectasia (Mitui et al., 2003; Coutinho et al., 2004); This variant is associated with the following publications: (PMID: 25601159, 28580595, 28779002, 31589614, 25525159, 15039971, 12815592, 28152038, 28888541)

Ambry Genetics
Classification: Pathogenic for Hereditary cancer-predisposing syndrome. Last evaluated: 2022-05-10. Review status: criteria provided, single submitter. Criteria: Ambry Variant Classification Scheme 2023. Collection method: clinical testing. Allele origin: germline.
Comment: The p.Y370* pathogenic mutation (also known as c.1110C>G), located in coding exon 8 of the ATM gene, results from a C to G substitution at nucleotide position 1110. This changes the amino acid from a tyrosine to a stop codon within coding exon 8. This amino acid position is not well conserved in available vertebrate species. In one study, this mutation was detected in conjunction with a second ATM mutation in two families with classic ataxia-telangiectasia (A-T) (Mitui M et al. Hum Mutat. 2003 Jul;22(1):43-50). In addition to the clinical data presented in the literature, this alteration is expected to result in loss of function by premature protein truncation or nonsense-mediated mRNA decay. As such, this alteration is interpreted as a disease-causing mutation.

AiLife Diagnostics
Classification: Pathogenic. Last evaluated: 2022-02-28. Review status: criteria provided, single submitter. Criteria: ACMG Guidelines, 2015. Collection method: clinical testing. Allele origin: germline. Affected: yes. Observed: 1 variant allele.

Department of Pathology and Laboratory Medicine, Sinai Health System
Classification: Pathogenic for Familial colorectal cancer type X. Last evaluated: 2021-12-01. Review status: criteria provided, single submitter. Criteria: ACMG Guidelines, 2015. Collection method: clinical testing. Allele origin: germline. Affected: yes.

Sema4
Classification: Pathogenic for Hereditary cancer-predisposing syndrome. Last evaluated: 2021-09-09. Review status: criteria provided, single submitter. Criteria: Sema4 Curation Guidelines. Collection method: curation. Allele origin: germline.
Comment: The ATM c.1110C>G (p.Y370X ) variant has been reported in at least 1 individual with ataxia telangiectasia (PMID: 12815592). This nonsense variant creates a premature stop codon at residue 370 of the ATM protein. This variant is predicted to cause loss of normal protein function either through protein truncation or nonsense-mediated mRNA decay. Loss-of-function variants in ATM are known to be pathogenic (PMID: 21665257, 25614872). This variant is not reported in the population database Genome Aggregation Database (PMID: 32461654). This variant has been reported in ClinVar (Variation ID: 142354). Based on the current evidence available, this variant is interpreted as pathogenic.

Institute of Medical Genetics and Applied Genomics, University Hospital Tübingen
Classification: Pathogenic. Last evaluated: 2020-10-23. Review status: criteria provided, single submitter. Criteria: ACMG Guidelines, 2015. Collection method: clinical testing. Allele origin: germline. Inheritance: Autosomal unknown. Affected: yes.

Literature cited by the submitters: PubMed 12815592 (cited by 6 submitters); PubMed 15039971 (cited by 3 submitters); PubMed 23807571 (cited by Labcorp Genetics (formerly Invitae), Labcorp); PubMed 25614872 (cited by Labcorp Genetics (formerly Invitae), Labcorp and Sema4); PubMed 31589614 (cited by AiLife Diagnostics); PubMed 28152038 (cited by AiLife Diagnostics); PubMed 25525159 (cited by AiLife Diagnostics); PubMed 28779002 (cited by Department of Pathology and Laboratory Medicine, Sinai Health System); PubMed 21665257 (cited by Sema4).

NM_000051.4(ATM):c.1110C>G (p.Tyr370Ter)

Gene: ATM (ATM serine/threonine kinase; plus strand). Cytogenetic location: 11q22.3.
Variant type: single nucleotide variant.
Coding change: c.1110C>G on transcript NM_000051.4 (MANE Select); coding-DNA position 1110, C replaced by G.
Protein change: p.Tyr370Ter; replaces tyrosine 370 with a stop codon.
Molecular consequence: nonsense.
Genome position (GRCh38, 1-based): chr11:108,248,977, C>G. VCF-style: chr11-108248977-C-G. GRCh37 (hg19) VCF-style: chr11-108119704-C-G.
Other names: c.1110C>G, p.Tyr370Ter (NM_001351834.2); short protein forms Y370*.
Identifiers: ClinVar variation 142354 (VCV000142354.30), dbSNP rs376170600, ClinGen allele CA168151.
Genomic context (GRCh38, chr11:108,248,977, plus strand): 5'-TATTTTTATTTTACAGGTTTTTAATGAAGATACCAGATCCTTGGAGATTTCTCAATCTTA[C>G]ACTACTACACAAAGAGAATCTAGTGATTACAGTGTCCCTTGCAAAAGGAAGAAAATAGAA-3'